The following is an entry in ClinVar:

ClinVar aggregate classification (germline): Benign/Likely benign. Review status: criteria provided, multiple submitters, no conflicts (2 of 4 stars). 9 submissions from 9 submitters: Benign (2); Likely benign (4). 3 of the submissions do not count toward it. Last evaluated 2026-10-01.

Conditions:
SYNJ1-related disorder. Also called: SYNJ1-related condition.
Developmental and epileptic encephalopathy, 53. Also called: Epileptic encephalopathy, early infantile, 53. Identifiers: MedGen C4479313, MONDO:0033362, OMIM 617389.
Early-onset Parkinson disease 20. Also called: PARKINSON DISEASE 20, AUTOSOMAL RECESSIVE EARLY-ONSET. Identifiers: Orphanet 391411, MedGen C3809824, MONDO:0014233, OMIM 615530.

Allele frequency attached by ClinVar (database versions not stated): 1000 Genomes Project 0.00120; 1000 Genomes Project 30x 0.00125; gnomAD 0.00179 and 0.00183; ESP Exome Variant Server 0.00194; TOPMed 0.00205; ExAC 0.00471.
gnomAD v4.1: 4,402 of 1,525,346 alleles (0.29%); highest among the groups gnomAD compares: Non-Finnish European, 0.36%; 9 homozygotes.

Submissions (9):

CeGaT Center for Human Genetics Tuebingen
Classification: Likely benign. Last evaluated: 2026-10-01. Review status: criteria provided, single submitter. Criteria: CeGaT Center For Human Genetics Tuebingen Variant Classification Criteria Version 2. Collection method: clinical testing. Allele origin: germline. Affected: yes. Observed: 20 variant alleles.
Comment: SYNJ1: BP4, BP7

Labcorp Genetics (formerly Invitae), Labcorp
Classification: Benign for Developmental and epileptic encephalopathy, 53; Early-onset Parkinson disease 20. Last evaluated: 2026-01-21. Review status: criteria provided, single submitter. Criteria: Invitae Variant Classification Sherloc (09022015). Collection method: clinical testing. Allele origin: germline.

Mayo Clinic Laboratories, Mayo Clinic
Classification: Likely benign. Last evaluated: 2024-12-19. Review status: criteria provided, single submitter. Criteria: ACMG Guidelines, 2015. Collection method: clinical testing. Allele origin: germline. Observed: 4 variant alleles.
Comment: BS1, BP4, BP7

Blueprint Genetics
Classification: Likely benign. Last evaluated: 2024-11-25. Review status: criteria provided, single submitter. Criteria: ACMG Guidelines, 2015. Collection method: clinical testing. Allele origin: germline.

GeneDx
Classification: Likely benign. Last evaluated: 2021-01-09. Review status: criteria provided, single submitter. Criteria: GeneDx Variant Classification Process June 2021. Collection method: clinical testing. Allele origin: germline. Affected: yes.

Athena Diagnostics
Classification: Benign. Last evaluated: 2020-09-14. Review status: criteria provided, single submitter. Criteria: Athena Diagnostics criteria. Collection method: clinical testing. Allele origin: unknown.

PreventionGenetics, part of Exact Sciences
Classification: Likely benign for SYNJ1-related condition. Last evaluated: 2019-04-05. Review status: no assertion criteria provided. Collection method: clinical testing. Allele origin: germline. Not counted in ClinVar's aggregate classification.
Comment: This variant is classified as likely benign based on ACMG/AMP sequence variant interpretation guidelines (Richards et al. 2015 PMID: 25741868, with internal and published modifications).

Clinical Genetics DNA and cytogenetics Diagnostics Lab, Erasmus MC, Erasmus Medical Center
Classification: Likely benign. Review status: no assertion criteria provided. Collection method: clinical testing. Allele origin: germline. Affected: yes. Study: VKGL Data-share Consensus. Not counted in ClinVar's aggregate classification.

Genome Diagnostics Laboratory, University Medical Center Utrecht
Classification: Likely benign. Review status: no assertion criteria provided. Collection method: clinical testing. Allele origin: germline. Affected: yes. Study: VKGL Data-share Consensus. Not counted in ClinVar's aggregate classification.

NM_203446.3(SYNJ1):c.3369A>G (p.Pro1123=)

Gene: SYNJ1 (synaptojanin 1; minus strand). Cytogenetic location: 21q22.11.
Variant type: single nucleotide variant.
Coding change: c.3369A>G on transcript NM_203446.3 (MANE Select); coding-DNA position 3369, A replaced by G.
Protein change: p.Pro1123=; no amino-acid change (proline 1123 retained).
Molecular consequence: synonymous variant.
Genome position (GRCh38, 1-based): chr21:32,645,668, T>C on the plus strand (A>G on the coding strand, the complement: SYNJ1 is on the minus strand). VCF-style: chr21-32645668-T-C. GRCh37 (hg19) VCF-style: chr21-34017978-T-C.
Other names: p.Pro1162=; c.3369A>G, p.Pro1123= (NM_001160302.2); c.3354A>G, p.Pro1118= (NM_001160306.2); c.3486A>G, p.Pro1162= (NM_003895.4).
Identifiers: ClinVar variation 478341 (VCV000478341.51), dbSNP rs368850131, ClinGen allele CA10003439.